The following is an entry in ClinVar:

NM_001374828.1(ARID1B):c.6387C>T (p.Ala2129=)

Gene: ARID1B (AT-rich interaction domain 1B; plus strand). Cytogenetic location: 6q25.3.
Variant type: single nucleotide variant.
Coding change: c.6387C>T on transcript NM_001374828.1 (MANE Select); coding-DNA position 6387, C replaced by T.
Protein change: p.Ala2129=; no amino-acid change (alanine 2129 retained).
Molecular consequence: synonymous variant.
Genome position (GRCh38, 1-based): chr6:157,207,159, C>T. VCF-style: chr6-157207159-C-T. GRCh37 (hg19) VCF-style: chr6-157528293-C-T.
Other names: c.6138C>T, p.Ala2046= (NM_001346813.1); c.3888C>T, p.Ala1296= (NM_001363725.2); c.6267C>T, p.Ala2089= (NM_001371656.1, NM_001374820.1); c.6228C>T, p.Ala2076= (NM_017519.3); c.6018C>T, p.Ala2006= (NM_020732.3); c.5805C>T, p.Ala1935= (NM_175863.2).
Identifiers: ClinVar variation 1697106 (VCV001697106.2), dbSNP rs1018664667, ClinGen allele CA150379289.

ClinVar aggregate classification (germline): Uncertain significance (1 of 4 stars; one submission).

Allele frequency attached by ClinVar (database versions not stated): gnomAD exomes below 0.00001; TOPMed 0.00001.
gnomAD v4.1: 2 of 1,614,074 alleles (0.00012%); highest among the groups gnomAD compares: Non-Finnish European, 0.00017%; no homozygotes.

Submission:

GeneDx
Classification: Uncertain significance. Last evaluated: 2022-01-18. Review status: criteria provided, single submitter. Criteria: GeneDx Variant Classification Process June 2021. Collection method: clinical testing. Allele origin: germline. Affected: yes.
Comment: In silico analysis supports that this variant does not alter splicing; Has not been previously published as pathogenic or benign to our knowledge